The following is an entry in ClinVar:

NM_002296.4(LBR):c.835A>G (p.Lys279Glu)

Gene: LBR (lamin B receptor; minus strand). Cytogenetic location: 1q42.12.
Variant type: single nucleotide variant.
Coding change: c.835A>G on transcript NM_002296.4 (MANE Select); coding-DNA position 835, A replaced by G.
Protein change: p.Lys279Glu; replaces lysine 279 with glutamic acid.
Molecular consequence: missense variant.
Genome position (GRCh38, 1-based): chr1:225,417,986, T>C on the plus strand (A>G on the coding strand, the complement: LBR is on the minus strand). VCF-style: chr1-225417986-T-C. GRCh37 (hg19) VCF-style: chr1-225605688-T-C.
Other names: c.835A>G, p.Lys279Glu (NM_194442.3); short protein forms K279E.
Identifiers: ClinVar variation 5006176 (VCV005006176.2).

ClinVar aggregate classification (germline): Uncertain significance (1 of 4 stars; one submission).

Conditions:
Regressive spondylometaphyseal dysplasia. Also called: PELGER-HUET ANOMALY WITH MILD SKELETAL ANOMALIES. Identifiers: Orphanet 448267, MedGen C4747922, MONDO:0018663, OMIM 618019.
Greenberg dysplasia (GRBGD). Also called: CHONDRODYSTROPHY, HYDROPIC AND PRENATALLY LETHAL TYPE; HEM SKELETAL DYSPLASIA; MOTH-EATEN SKELETAL DYSPLASIA. Identifiers: Orphanet 1426, MedGen C2931048, MONDO:0008974, OMIM 215140.
Reynolds syndrome. Also called: PRIMARY BILIARY CIRRHOSIS, SCLERODERMA, RAYNAUD DISEASE, AND TELANGIECTASIA. Identifiers: Orphanet 779, MedGen C0748397, MONDO:0013276, OMIM 613471.
Pelger-Huët anomaly (PHA). Also called: Pelger-Huet Anomaly. Identifiers: MedGen C0030779, MONDO:0008214, OMIM 169400.

gnomAD v4.1: 1 of 1,613,716 alleles (0.000062%); highest among the groups gnomAD compares: South Asian, 0.0011%; no homozygotes.

Submission:

Juno Genomics, Hangzhou Juno Genomics, Inc
Classification: Uncertain significance for Reynolds syndrome; Greenberg dysplasia; Pelger-Huët anomaly; Regressive spondylometaphyseal dysplasia. Review status: criteria provided, single submitter. Criteria: ACMG Guidelines, 2015. Collection method: clinical testing. Allele origin: germline.
Comment: Absent from controls (or at extremely low frequency if recessive) in Genome Aggregation Database.;Multiple lines of computational evidence support a deleterious effect on the gene or gene product.